The following is an entry in ClinVar:

NM_020975.6(RET):c.2100G>A (p.Met700Ile)

Gene: RET (ret proto-oncogene; plus strand). Cytogenetic location: 10q11.21.
Variant type: single nucleotide variant.
Coding change: c.2100G>A on transcript NM_020975.6 (MANE Select); coding-DNA position 2100, G replaced by A.
Protein change: p.Met700Ile; replaces methionine 700 with isoleucine.
Molecular consequence: missense variant.
Genome position (GRCh38, 1-based): chr10:43,114,700, G>A. VCF-style: chr10-43114700-G-A. GRCh37 (hg19) VCF-style: chr10-43610148-G-A.
Other names: c.2100G>A, p.Met700Ile (NM_000323.2, NM_001406743.1, NM_001406744.1 and 4 more transcripts); c.1338G>A, p.Met446Ile (NM_001355216.2); c.1971G>A, p.Met657Ile (NM_001406761.1, NM_001406762.1, NM_001406764.1); c.1965G>A, p.Met655Ile (NM_001406763.1, NM_001406765.1); c.1812G>A, p.Met604Ile (NM_001406766.1, NM_001406767.1, NM_001406770.1); c.1836G>A, p.Met612Ile (NM_001406768.1); c.1704G>A, p.Met568Ile (NM_001406769.1, NM_001406772.1); c.1662G>A, p.Met554Ile (NM_001406771.1, NM_001406773.1); and 10 more; short protein forms M700I, M446I, M356I, M361I, M554I, M657I, M358I, M525I.
Identifiers: ClinVar variation 560865 (VCV000560865.7), dbSNP rs1564496551, ClinGen allele CA376553307.

ClinVar aggregate classification (germline): Uncertain significance. Review status: criteria provided, multiple submitters, no conflicts (2 of 4 stars). 2 submissions from 2 submitters: Uncertain significance (2). Last evaluated 2025-08-03.

Conditions:
Multiple endocrine neoplasia, type 2 (MEN2). Identifiers: Orphanet 653, MedGen C4048306, MONDO:0019003. Disease mechanism: gain of function.

Submissions (2):

Labcorp Genetics (formerly Invitae), Labcorp
Classification: Uncertain significance for Multiple endocrine neoplasia, type 2. Last evaluated: 2025-08-03. Review status: criteria provided, single submitter. Criteria: Invitae Variant Classification Sherloc (09022015). Collection method: clinical testing. Allele origin: germline.
Comment: This sequence change replaces methionine, which is neutral and non-polar, with isoleucine, which is neutral and non-polar, at codon 700 of the RET protein (p.Met700Ile). This variant is not present in population databases (gnomAD no frequency). This variant has not been reported in the literature in individuals affected with RET-related conditions. ClinVar contains an entry for this variant (Variation ID: 560865). An algorithm developed to predict the effect of missense changes on protein structure and function (PolyPhen-2) suggests that this variant is likely to be tolerated. In summary, the available evidence is currently insufficient to determine the role of this variant in disease. Therefore, it has been classified as a Variant of Uncertain Significance.

PreventionGenetics, part of Exact Sciences
Classification: Uncertain significance. Last evaluated: 2016-12-01. Review status: criteria provided, single submitter. Criteria: ACMG Guidelines, 2015. Collection method: clinical testing. Allele origin: germline.